The following is an entry in ClinVar:

NM_006208.3(ENPP1):c.1567A>T (p.Asn523Tyr)

Gene: ENPP1 (ectonucleotide pyrophosphatase/phosphodiesterase 1; plus strand). Cytogenetic location: 6q23.2.
Variant type: single nucleotide variant.
Coding change: c.1567A>T on transcript NM_006208.3 (MANE Select); coding-DNA position 1567, A replaced by T.
Protein change: p.Asn523Tyr; replaces asparagine 523 with tyrosine.
Molecular consequence: missense variant.
Genome position (GRCh38, 1-based): chr6:131,874,269, A>T. VCF-style: chr6-131874269-A-T. GRCh37 (hg19) VCF-style: chr6-132195409-A-T.
Other names: short protein forms N523Y.
Identifiers: ClinVar variation 3687382 (VCV003687382.2).

ClinVar aggregate classification (germline): Uncertain significance (1 of 4 stars; one submission).

Submission:

Labcorp Genetics (formerly Invitae), Labcorp
Classification: Uncertain significance. Last evaluated: 2024-10-01. Review status: criteria provided, single submitter. Criteria: Invitae Variant Classification Sherloc (09022015). Collection method: clinical testing. Allele origin: germline.
Comment: This sequence change replaces asparagine, which is neutral and polar, with tyrosine, which is neutral and polar, at codon 523 of the ENPP1 protein (p.Asn523Tyr). This variant is not present in population databases (gnomAD no frequency). This variant has not been reported in the literature in individuals affected with ENPP1-related conditions. An algorithm developed to predict the effect of missense changes on protein structure and function (PolyPhen-2) suggests that this variant is likely to be disruptive. In summary, the available evidence is currently insufficient to determine the role of this variant in disease. Therefore, it has been classified as a Variant of Uncertain Significance.